The following is an entry in ClinVar:

NM_000059.4(BRCA2):c.2743A>T (p.Thr915Ser)

Gene: BRCA2 (BRCA2 DNA repair associated; plus strand). Cytogenetic location: 13q13.1.
Variant type: single nucleotide variant.
Coding change: c.2743A>T on transcript NM_000059.4 (MANE Select); coding-DNA position 2743, A replaced by T.
Protein change: p.Thr915Ser; replaces threonine 915 with serine.
Molecular consequence: missense variant.
Genome position (GRCh38, 1-based): chr13:32,337,098, A>T. VCF-style: chr13-32337098-A-T. GRCh37 (hg19) VCF-style: chr13-32911235-A-T.
Other names: c.2743A>T, p.Thr915Ser (NM_001406719.1, NM_001406720.1); short protein forms T915S.
Identifiers: ClinVar variation 1710078 (VCV001710078.5), dbSNP rs2137489400, ClinGen allele CA387773626.

ClinVar aggregate classification (germline): Conflicting classifications of pathogenicity. Review status: criteria provided, conflicting classifications (1 of 4 stars). 3 submissions from 3 submitters: Uncertain significance (1); Likely benign (2). Last evaluated 2024-12-10.

Conditions:
Hereditary cancer-predisposing syndrome. Also called: Neoplastic Syndromes, Hereditary; Tumor predisposition; Hereditary Cancer Syndrome; Hereditary neoplastic syndrome. Identifiers: Orphanet 140162, MedGen C0027672, MeSH D009386, MONDO:0015356.
Familial cancer of breast. Also called: Hereditary breast cancer; BREAST CANCER, FAMILIAL; hereditary breast carcinoma. Identifiers: Orphanet 227535, MedGen C0346153, MONDO:0016419, OMIM 114480. Disease mechanism: loss of function.

Submissions (3):

Color Diagnostics, LLC DBA Color Health
Classification: Uncertain significance for Hereditary cancer-predisposing syndrome. Last evaluated: 2024-12-10. Review status: criteria provided, single submitter. Criteria: ACMG Guidelines, 2015. Collection method: clinical testing. Allele origin: germline.
Comment: This missense variant replaces threonine with serine at codon 915 of the BRCA2 protein. Computational prediction suggests that this variant may not impact protein structure and function. To our knowledge, functional studies have not been reported for this variant. This variant has not been reported in individuals affected with BRCA2-related disorders in the literature. A different single-nucleotide substitution with the same protein missense, p.Thr915Ser (c.2744C>G), has been reported in an individual affected with ovarian cancer who has a co-variant in ATM c.556C>T (p.Arg186*) (PMID: 39202057). This variant has not been identified in the general population by the Genome Aggregation Database (gnomAD). The available evidence is insufficient to determine the role of this variant in disease conclusively. Therefore, this variant is classified as a Variant of Uncertain Significance.

MGZ Medical Genetics Center
Classification: Likely benign for Familial cancer of breast. Last evaluated: 2024-02-09. Review status: criteria provided, single submitter. Criteria: CSpec BRCA1/2ACMG Rules Specifications V1.1.0. Collection method: clinical testing. Allele origin: germline. Affected: yes.
Comment: ACMG codes applied following ENIGMA VCEP rules: BP1_STR, PM2_SUP

University of Washington Department of Laboratory Medicine, University of Washington
Classification: Likely benign for Hereditary cancer-predisposing syndrome. Last evaluated: 2023-03-23. Review status: criteria provided, single submitter. Criteria: Dines et al. (Genet Med. 2020). Collection method: curation. Allele origin: germline.
Comment: Missense variant in a coldspot region where missense variants are very unlikely to be pathogenic (PMID:31911673).

BRCA2 exon 11 coldspot. Reclassification based on statistical prior probability.

Literature cited by the submitters: PubMed 39202057 (cited by Color Diagnostics, LLC DBA Color Health).